The following is an entry in ClinVar:

NM_133259.4(LRPPRC):c.1124del (p.Phe375fs)

Gene: LRPPRC (leucine rich pentatricopeptide repeat containing; minus strand). Cytogenetic location: 2p21.
Variant type: Deletion.
Coding change: c.1124del on transcript NM_133259.4 (MANE Select); coding-DNA position 1124, one base deleted (T; older notation c.1124delT).
Protein change: p.Phe375fs; shifts the reading frame from phenylalanine 375.
Molecular consequence: frameshift variant.
Genome position (GRCh38, 1-based): chr2:43,974,181, A deleted on the plus strand (T on the coding strand, the reverse complement: LRPPRC is on the minus strand); the first of 3 consecutive A bases (chr2:43,974,181-43,974,183); deleting any one gives the same sequence. VCF-style (leftmost placement, unchanged base first): chr2-43974180-GA-G. GRCh37 (hg19) VCF-style: chr2-44201319-GA-G.
Other names: short protein forms F375fs.
Identifiers: ClinVar variation 4816476 (VCV004816476.2).

ClinVar aggregate classification (germline): Pathogenic/Likely pathogenic. Review status: criteria provided, multiple submitters, no conflicts (2 of 4 stars). 2 submissions from 2 submitters: Pathogenic (1); Likely pathogenic (1). Last evaluated 2026-04-10.

Conditions:
Congenital lactic acidosis, Saguenay-Lac-Saint-Jean type (MC4DN5). Also called: CYTOCHROME c OXIDASE DEFICIENCY, FRENCH CANADIAN TYPE; COX DEFICIENCY, FRENCH CANADIAN TYPE; MITOCHONDRIAL COMPLEX IV DEFICIENCY, NUCLEAR TYPE 5. Identifiers: Orphanet 70472, MedGen C1857355, MONDO:0009069, OMIM 220111.

Submissions (2):

Myriad Genetics, Inc.
Classification: Pathogenic for Congenital lactic acidosis, Saguenay-Lac-Saint-Jean type. Last evaluated: 2026-04-10. Review status: criteria provided, single submitter. Criteria: Myriad Autosomal Dominant, Autosomal Recessive and X-Linked Classification Criteria (2023). Collection method: clinical testing. Allele origin: unknown.
Comment: NM_133259.3(LRPPRC):c.1124delT(F375Sfs*7) is expected to be pathogenic in the context of Leigh syndrome, French-Canadian type. This variant is predicted to lead to an abnormal or absent protein product due to the creation of a premature termination codon in LRPPRC, a gene where loss-of-function variants are known to be pathogenic. Please note: this variant was assessed in the context of healthy population screening.

Natera, Inc.
Classification: Likely pathogenic for French-Canadian type Leigh syndrome. Last evaluated: 2025-08-15. Review status: criteria provided, single submitter. Criteria: Natera Variant Classification Schema (03/2026). Collection method: clinical testing. Allele origin: germline.
Comment: The c.1124del variant in LRPPRC is a frameshift variant predicted to shift the reading frame beginning at codon 375 and leads to a stop codon 7 codons downstream. This variant is expected to result in nonsense mediated decay, truncation, or a dysfunctional protein product. This variant is rare in the general population with a frequency below the threshold expected for the associated phenotype(s). Given the available evidence, this variant is classified as Likely Pathogenic.